The following is an entry in ClinVar:

ClinVar aggregate classification (germline): Uncertain significance. Review status: criteria provided, multiple submitters, no conflicts (2 of 4 stars). 2 submissions from 2 submitters: Uncertain significance (2). Last evaluated 2022-06-30.

Conditions:
Progressive myoclonic epilepsy type 7. Identifiers: Orphanet 435438, MedGen C4015420, MONDO:0014521, OMIM 616187.

Submissions (2):

GeneDx
Classification: Uncertain significance. Last evaluated: 2022-06-30. Review status: criteria provided, single submitter. Criteria: GeneDx Variant Classification Process June 2021. Collection method: clinical testing. Allele origin: germline. Affected: yes.
Comment: Not observed at significant frequency in large population cohorts (gnomAD); In silico analysis supports that this missense variant has a deleterious effect on protein structure/function; Has not been previously published as pathogenic or benign to our knowledge

Labcorp Genetics (formerly Invitae), Labcorp
Classification: Uncertain significance for Progressive myoclonic epilepsy type 7. Last evaluated: 2019-04-18. Review status: criteria provided, single submitter. Criteria: Invitae Variant Classification Sherloc (09022015). Collection method: clinical testing. Allele origin: germline.
Comment: In summary, the available evidence is currently insufficient to determine the role of this variant in disease. Therefore, it has been classified as a Variant of Uncertain Significance. Algorithms developed to predict the effect of missense changes on protein structure and function are either unavailable or do not agree on the potential impact of this missense change (SIFT: "Deleterious"; PolyPhen-2: "Benign"; Align-GVGD: "Class C0"). This variant has not been reported in the literature in individuals with KCNC1-related disease. While this variant is not present in population databases, the frequency information is unreliable, as metrics indicate poor data quality at this position in the ExAC database. This sequence change replaces serine with leucine at codon 185 of the KCNC1 protein (p.Ser185Leu). The serine residue is highly conserved and there is a large physicochemical difference between serine and leucine.

NM_001112741.2(KCNC1):c.554C>T (p.Ser185Leu)

Gene: KCNC1 (potassium voltage-gated channel subfamily C member 1; plus strand). Cytogenetic location: 11p15.1.
Variant type: single nucleotide variant.
Coding change: c.554C>T on transcript NM_001112741.2 (MANE Select); coding-DNA position 554, C replaced by T.
Protein change: p.Ser185Leu; replaces serine 185 with leucine.
Molecular consequence: missense variant.
Genome position (GRCh38, 1-based): chr11:17,736,556, C>T. VCF-style: chr11-17736556-C-T. GRCh37 (hg19) VCF-style: chr11-17758103-C-T.
Other names: c.554C>T, p.Ser185Leu (NM_004976.4); short protein forms S185L.
Identifiers: ClinVar variation 575538 (VCV000575538.12), dbSNP rs1565152898, ClinGen allele CA379802091.